The following is an entry in ClinVar:

NM_000359.3(TGM1):c.361C>T (p.Arg121Cys)

Gene: TGM1 (transglutaminase 1; minus strand). Cytogenetic location: 14q12.
Variant type: single nucleotide variant.
Coding change: c.361C>T on transcript NM_000359.3 (MANE Select); coding-DNA position 361, C replaced by T.
Protein change: p.Arg121Cys; replaces arginine 121 with cysteine.
Molecular consequence: missense variant.
Genome position (GRCh38, 1-based): chr14:24,261,842, G>A on the plus strand (C>T on the coding strand, the complement: TGM1 is on the minus strand). VCF-style: chr14-24261842-G-A. GRCh37 (hg19) VCF-style: chr14-24731048-G-A.
Other names: short protein forms R121C.
Identifiers: ClinVar variation 312989 (VCV000312989.19), dbSNP rs80145541, ClinGen allele CA7131440.

ClinVar aggregate classification (germline): Benign/Likely benign. Review status: criteria provided, multiple submitters, no conflicts (2 of 4 stars). 4 submissions from 4 submitters: Benign (1); Likely benign (2). 1 of the submissions does not count toward it. Last evaluated 2026-01-25.

Conditions:
Autosomal recessive congenital ichthyosis 1 (LI1). Also called: ICHTHYOSIS, CONGENITAL, AUTOSOMAL RECESSIVE 1, WITH OR WITHOUT BATHING SUIT DISTRIBUTION; ICHTHYOSIS, CONGENITAL, AUTOSOMAL RECESSIVE 1, WITH BATHING SUIT DISTRIBUTION; COLLODION FETUS; DESQUAMATION OF NEWBORN; ICHTHYOSIS CONGENITA; ICHTHYOSIS CONGENITA II. Identifiers: MedGen C4551630, MONDO:0009441, OMIM 242300.

Allele frequency attached by ClinVar (database versions not stated): gnomAD exomes 0.00035 and 0.00106; ExAC 0.00127; gnomAD 0.00357 and 0.00384; TOPMed 0.00411; 1000 Genomes Project 0.00419; ESP Exome Variant Server 0.00446; 1000 Genomes Project 30x 0.00484.

Submissions (4):

Labcorp Genetics (formerly Invitae), Labcorp
Classification: Benign. Last evaluated: 2026-01-25. Review status: criteria provided, single submitter. Criteria: Invitae Variant Classification Sherloc (09022015). Collection method: clinical testing. Allele origin: germline.

Illumina Laboratory Services, Illumina
Classification: Likely benign for Autosomal recessive congenital ichthyosis 1. Last evaluated: 2018-01-13. Review status: criteria provided, single submitter. Criteria: ICSL Variant Classification Criteria 13 December 2019. Collection method: clinical testing. Allele origin: germline.
Comment: This variant was observed in the ICSL laboratory as part of a predisposition screen in an ostensibly healthy population. It had not been previously curated by ICSL or reported in the Human Gene Mutation Database (HGMD: prior to June 1st, 2018), and was therefore a candidate for classification through an automated scoring system. Utilizing variant allele frequency, disease prevalence and penetrance estimates, and inheritance mode, an automated score was calculated to assess if this variant is too frequent to cause the disease. Based on the score and internal cut-off values, a variant classified as likely benign is not then subjected to further curation. The score for this variant resulted in a classification of likely benign for this disease.

Genome-Nilou Lab
Classification: Likely benign for Autosomal recessive congenital ichthyosis 1. Review status: criteria provided, single submitter. Criteria: ACMG Guidelines, 2015. Collection method: clinical testing. Allele origin: germline.

Natera, Inc.
Classification: Likely benign for Autosomal recessive congenital ichthyosis type 1. Last evaluated: 2020-05-20. Review status: no assertion criteria provided. Collection method: clinical testing. Allele origin: germline. Not counted in ClinVar's aggregate classification.